The following is an entry in ClinVar:

NM_005502.4(ABCA1):c.3775G>A (p.Ala1259Thr)

Gene: ABCA1 (ATP binding cassette subfamily A member 1; minus strand). Cytogenetic location: 9q31.1.
Variant type: single nucleotide variant.
Coding change: c.3775G>A on transcript NM_005502.4 (MANE Select); coding-DNA position 3775, G replaced by A.
Protein change: p.Ala1259Thr; replaces alanine 1259 with threonine.
Molecular consequence: missense variant.
Genome position (GRCh38, 1-based): chr9:104,814,439, C>T on the plus strand (G>A on the coding strand, the complement: ABCA1 is on the minus strand). VCF-style: chr9-104814439-C-T. GRCh37 (hg19) VCF-style: chr9-107576720-C-T.
Other names: short protein forms A1259T.
Identifiers: ClinVar variation 1374226 (VCV001374226.6), dbSNP rs2118944212, ClinGen allele CA374317812.

ClinVar aggregate classification (germline): Uncertain significance (1 of 4 stars; one submission).

Submission:

Labcorp Genetics (formerly Invitae), Labcorp
Classification: Uncertain significance. Last evaluated: 2025-04-14. Review status: criteria provided, single submitter. Criteria: Invitae Variant Classification Sherloc (09022015). Collection method: clinical testing. Allele origin: germline.
Comment: This sequence change replaces alanine, which is neutral and non-polar, with threonine, which is neutral and polar, at codon 1259 of the ABCA1 protein (p.Ala1259Thr). This variant is not present in population databases (gnomAD no frequency). This variant has not been reported in the literature in individuals affected with ABCA1-related conditions. ClinVar contains an entry for this variant (Variation ID: 1374226). Invitae Evidence Modeling of protein sequence and biophysical properties (such as structural, functional, and spatial information, amino acid conservation, physicochemical variation, residue mobility, and thermodynamic stability) indicates that this missense variant is not expected to disrupt ABCA1 protein function with a negative predictive value of 95%. In summary, the available evidence is currently insufficient to determine the role of this variant in disease. Therefore, it has been classified as a Variant of Uncertain Significance.